The following is an entry in ClinVar:

NM_004630.4(SF1):c.1166G>T (p.Gly389Val)

Gene: SF1 (splicing factor 1; minus strand). Cytogenetic location: 11q13.1.
Variant type: single nucleotide variant.
Coding change: c.1166G>T on transcript NM_004630.4 (MANE Select); coding-DNA position 1166, G replaced by T.
Protein change: p.Gly389Val; replaces glycine 389 with valine.
Molecular consequence: missense variant.
Genome position (GRCh38, 1-based): chr11:64,767,747, C>A on the plus strand (G>T on the coding strand, the complement: SF1 is on the minus strand). VCF-style: chr11-64767747-C-A. GRCh37 (hg19) VCF-style: chr11-64535219-C-A.
Other names: c.1541G>T, p.Gly514Val (NM_001178030.2, NM_001378956.1, NM_001378957.1 and 2 more transcripts); c.1088G>T, p.Gly363Val (NM_001178031.3, NM_001440584.1, NM_001440585.1); c.1166G>T, p.Gly389Val (NM_001346363.2, NM_001346364.2, NM_001440582.1 and 4 more transcripts); c.821G>T, p.Gly274Val (NM_001346409.2, NM_001346410.2); short protein forms G274V, G389V, G363V, G514V.
Identifiers: ClinVar variation 5009921 (VCV005009921.1).

ClinVar aggregate classification (germline): Uncertain significance (1 of 4 stars; one submission).

gnomAD v4.1: 1 of 1,613,028 alleles (0.000062%); highest among the groups gnomAD compares: Non-Finnish European, 0.000085%; no homozygotes.

Submission:

GeneDx
Classification: Uncertain significance. Last evaluated: 2026-02-20. Review status: criteria provided, single submitter. Criteria: GeneDx Variant Classification Process June 2021. Collection method: clinical testing. Allele origin: germline.
Comment: Not observed at significant frequency in large population cohorts (gnomAD); In silico analysis supports that this missense variant has a deleterious effect on protein structure/function; Has not been previously published as pathogenic or benign to our knowledge